The following is an entry in ClinVar:

ClinVar aggregate classification (germline): Uncertain significance (1 of 4 stars; one submission).

Conditions:
Neuropathy, hereditary sensory, type 2C. Also called: Hereditary sensory and autonomic neuropathy type IIC; KIF1A-Related HSAN2 (HSAN2C). Identifiers: Orphanet 970, MedGen C3280168, MONDO:0013634, OMIM 614213.
Intellectual disability, autosomal dominant 9 (NESCAVS). Also called: NESCAV SYNDROME; KIF1A-Related Neurodevelopmental Disorder. Identifiers: Orphanet 662367, MedGen C5393830, MONDO:0013656, OMIM 614255.
Hereditary spastic paraplegia 30. Identifiers: Orphanet 101010, MedGen C5235139, MONDO:0012476.

Submission:

Labcorp Genetics (formerly Invitae), Labcorp
Classification: Uncertain significance for Hereditary spastic paraplegia 30; Neuropathy, hereditary sensory, type 2C; Intellectual disability, autosomal dominant 9. Last evaluated: 2022-04-21. Review status: criteria provided, single submitter. Criteria: Invitae Variant Classification Sherloc (09022015). Collection method: clinical testing. Allele origin: germline.
Comment: This sequence change replaces glycine, which is neutral and non-polar, with arginine, which is basic and polar, at codon 109 of the KIF1A protein (p.Gly109Arg). This variant is not present in population databases (gnomAD no frequency). This variant has not been reported in the literature in individuals affected with KIF1A-related conditions. Advanced modeling of protein sequence and biophysical properties (such as structural, functional, and spatial information, amino acid conservation, physicochemical variation, residue mobility, and thermodynamic stability) performed at Invitae indicates that this missense variant is expected to disrupt KIF1A protein function. In summary, the available evidence is currently insufficient to determine the role of this variant in disease. Therefore, it has been classified as a Variant of Uncertain Significance.

NM_001244008.2(KIF1A):c.325G>C (p.Gly109Arg)

Gene: KIF1A (kinesin family member 1A; minus strand). Cytogenetic location: 2q37.3.
Variant type: single nucleotide variant.
Coding change: c.325G>C on transcript NM_001244008.2 (MANE Select); coding-DNA position 325, G replaced by C.
Protein change: p.Gly109Arg; replaces glycine 109 with arginine.
Molecular consequence: missense variant.
Genome position (GRCh38, 1-based): chr2:240,788,089, C>G on the plus strand (G>C on the coding strand, the complement: KIF1A is on the minus strand). VCF-style: chr2-240788089-C-G. GRCh37 (hg19) VCF-style: chr2-241727506-C-G.
Other names: c.325G>C, p.Gly109Arg (NM_001320705.2, NM_001330289.2, NM_001330290.2 and 21 more transcripts); short protein forms G109R.
Identifiers: ClinVar variation 2128605 (VCV002128605.4), dbSNP rs2538436392, ClinGen allele CA351310119.